The following is an entry in ClinVar:

NM_000075.4(CDK4):c.515C>T (p.Thr172Ile)

Gene: CDK4 (cyclin dependent kinase 4; minus strand). Cytogenetic location: 12q14.1.
Variant type: single nucleotide variant.
Coding change: c.515C>T on transcript NM_000075.4 (MANE Select); coding-DNA position 515, C replaced by T.
Protein change: p.Thr172Ile; replaces threonine 172 with isoleucine.
Molecular consequence: missense variant.
Genome position (GRCh38, 1-based): chr12:57,750,930, G>A on the plus strand (C>T on the coding strand, the complement: CDK4 is on the minus strand). VCF-style: chr12-57750930-G-A. GRCh37 (hg19) VCF-style: chr12-58144713-G-A.
Other names: short protein forms T172I.
Identifiers: ClinVar variation 1745715 (VCV001745715.2), dbSNP rs2140386305, ClinGen allele CA385546105.

ClinVar aggregate classification (germline): Uncertain significance (1 of 4 stars; one submission).

Conditions:
Hereditary cancer-predisposing syndrome. Also called: Hereditary Cancer Syndrome; Neoplastic Syndromes, Hereditary; Tumor predisposition; Hereditary neoplastic syndrome. Identifiers: Orphanet 140162, MedGen C0027672, MeSH D009386, MONDO:0015356.

Submission:

Ambry Genetics
Classification: Uncertain significance for Hereditary cancer-predisposing syndrome. Last evaluated: 2020-11-30. Review status: criteria provided, single submitter. Criteria: Ambry Variant Classification Scheme 2023. Collection method: clinical testing. Allele origin: germline.
Comment: The p.T172I variant (also known as c.515C>T), located in coding exon 3 of the CDK4 gene, results from a C to T substitution at nucleotide position 515. The threonine at codon 172 is replaced by isoleucine, an amino acid with similar properties. This amino acid position is highly conserved in available vertebrate species. In addition, the in silico prediction for this alteration is inconclusive. Since supporting evidence is limited at this time, the clinical significance of this alteration remains unclear.